The following is an entry in ClinVar:

ClinVar aggregate classification (germline): Uncertain significance (1 of 4 stars; one submission).

Conditions:
Hereditary cancer-predisposing syndrome. Also called: Hereditary Cancer Syndrome; Hereditary neoplastic syndrome; Tumor predisposition; Neoplastic Syndromes, Hereditary. Identifiers: Orphanet 140162, MedGen C0027672, MeSH D009386, MONDO:0015356.
Cardiovascular phenotype. Identifiers: MedGen CN230736.

Submission:

Ambry Genetics
Classification: Uncertain significance for Cardiovascular phenotype; Hereditary cancer-predisposing syndrome. Last evaluated: 2024-10-03. Review status: criteria provided, single submitter. Criteria: Ambry Variant Classification Scheme 2023. Collection method: clinical testing. Allele origin: germline.
Comment: The p.H798Q variant (also known as c.2394C>A), located in coding exon 20 of the LZTR1 gene, results from a C to A substitution at nucleotide position 2394. The histidine at codon 798 is replaced by glutamine, an amino acid with highly similar properties. This amino acid position is highly conserved in available vertebrate species. In addition, the in silico prediction for this alteration is inconclusive. Based on the available evidence, the clinical significance of this variant remains unclear.

NM_006767.4(LZTR1):c.2394C>A (p.His798Gln)

Gene: LZTR1 (leucine zipper like post translational regulator 1; plus strand). Cytogenetic location: 22q11.21.
Variant type: single nucleotide variant.
Coding change: c.2394C>A on transcript NM_006767.4 (MANE Select); coding-DNA position 2394, C replaced by A.
Protein change: p.His798Gln; replaces histidine 798 with glutamine.
Molecular consequence: missense variant.
Genome position (GRCh38, 1-based): chr22:20,996,954, C>A. VCF-style: chr22-20996954-C-A. GRCh37 (hg19) VCF-style: chr22-21351243-C-A.
Other names: short protein forms H798Q.
Identifiers: ClinVar variation 3541527 (VCV003541527.1).